The following is an entry in ClinVar:

ClinVar aggregate classification (germline): Uncertain significance. Review status: criteria provided, multiple submitters, no conflicts (2 of 4 stars). 2 submissions from 2 submitters: Uncertain significance (2). Last evaluated 2022-10-17.

Conditions:
Hereditary cancer-predisposing syndrome. Also called: Neoplastic Syndromes, Hereditary; Tumor predisposition; Hereditary Cancer Syndrome; Hereditary neoplastic syndrome. Identifiers: Orphanet 140162, MedGen C0027672, MeSH D009386, MONDO:0015356.

gnomAD v4.1: 1 of 1,613,176 alleles (0.000062%); highest among the groups gnomAD compares: Non-Finnish European, 0.000085%; no homozygotes.

Submissions (2):

Ambry Genetics
Classification: Uncertain significance for Hereditary cancer-predisposing syndrome. Last evaluated: 2022-10-17. Review status: criteria provided, single submitter. Criteria: Ambry Variant Classification Scheme 2023. Collection method: clinical testing. Allele origin: germline.
Comment: The p.I733M variant (also known as c.2199A>G), located in coding exon 15 of the MSH3 gene, results from an A to G substitution at nucleotide position 2199. The isoleucine at codon 733 is replaced by methionine, an amino acid with highly similar properties. This amino acid position is conserved. In addition, the in silico prediction for this alteration is inconclusive. Since supporting evidence is limited at this time, the clinical significance of this alteration remains unclear.

Labcorp Genetics (formerly Invitae), Labcorp
Classification: Uncertain significance. Last evaluated: 2022-07-29. Review status: criteria provided, single submitter. Criteria: Invitae Variant Classification Sherloc (09022015). Collection method: clinical testing. Allele origin: germline.
Comment: This variant has not been reported in the literature in individuals affected with MSH3-related conditions. Algorithms developed to predict the effect of missense changes on protein structure and function are either unavailable or do not agree on the potential impact of this missense change (SIFT: "Deleterious"; PolyPhen-2: "Probably Damaging"; Align-GVGD: "Class C0"). In summary, the available evidence is currently insufficient to determine the role of this variant in disease. Therefore, it has been classified as a Variant of Uncertain Significance. This sequence change replaces isoleucine, which is neutral and non-polar, with methionine, which is neutral and non-polar, at codon 733 of the MSH3 protein (p.Ile733Met). This variant is not present in population databases (gnomAD no frequency).

NM_002439.5(MSH3):c.2199A>G (p.Ile733Met)

Gene: MSH3 (mutS homolog 3; plus strand). Cytogenetic location: 5q14.1.
Variant type: single nucleotide variant.
Coding change: c.2199A>G on transcript NM_002439.5 (MANE Select); coding-DNA position 2199, A replaced by G.
Protein change: p.Ile733Met; replaces isoleucine 733 with methionine.
Molecular consequence: missense variant.
Genome position (GRCh38, 1-based): chr5:80,768,949, A>G. VCF-style: chr5-80768949-A-G. GRCh37 (hg19) VCF-style: chr5-80064768-A-G.
Other names: short protein forms I733M.
Identifiers: ClinVar variation 1713285 (VCV001713285.8), dbSNP rs2546774295, ClinGen allele CA360279611.